The following is an entry in ClinVar:

ClinVar aggregate classification (germline): Uncertain significance (1 of 4 stars; one submission).

Submission:

GeneDx
Classification: Uncertain significance. Last evaluated: 2025-05-19. Review status: criteria provided, single submitter. Criteria: GeneDx Variant Classification Process June 2021. Collection method: clinical testing. Allele origin: germline. Affected: yes.
Comment: Not observed at significant frequency in large population cohorts (gnomAD); In silico analysis supports that this missense variant has a deleterious effect on protein structure/function; Has not been previously published as pathogenic or benign to our knowledge; This variant is associated with the following publications: (PMID: 18829458)

NM_175914.5(HNF4A):c.236A>T (p.Gln79Leu)

Gene: HNF4A (hepatocyte nuclear factor 4 alpha; plus strand). Cytogenetic location: 20q13.12.
Variant type: single nucleotide variant.
Coding change: c.236A>T on transcript NM_175914.5 (MANE Select); coding-DNA position 236, A replaced by T.
Protein change: p.Gln79Leu; replaces glutamine 79 with leucine.
Molecular consequence: missense variant.
Genome position (GRCh38, 1-based): chr20:44,407,392, A>T. VCF-style: chr20-44407392-A-T. GRCh37 (hg19) VCF-style: chr20-43036032-A-T.
Other names: c.227A>T, p.Gln76Leu (NM_001287183.2, NM_001287184.2, NM_001287182.2); c.302A>T, p.Gln101Leu (NM_178849.3, NM_178850.3, NM_000457.6); c.236A>T, p.Gln79Leu (NM_001030003.3, NM_001030004.3); c.281A>T, p.Gln94Leu (NM_001258355.2); short protein forms Q101L, Q76L, Q79L, Q94L.
Identifiers: ClinVar variation 4530932 (VCV004530932.1).